The following is an entry in ClinVar:

NM_198271.5(LMOD3):c.266G>A (p.Arg89Gln)

Genes: LMOD3 (leiomodin 3; minus strand), LOC126806710 (CDK7 strongly-dependent group 2 enhancer GRCh37_chr3:69170601-69171800; plus strand). Cytogenetic location: 3p14.1.
Variant type: single nucleotide variant.
Coding change: c.266G>A on transcript NM_198271.5 (MANE Select); coding-DNA position 266, G replaced by A.
Protein change: p.Arg89Gln; replaces arginine 89 with glutamine.
Molecular consequence: missense variant.
Genome position (GRCh38, 1-based): chr3:69,122,121, C>T on the plus strand (G>A on the coding strand, the complement: LMOD3 is on the minus strand). VCF-style: chr3-69122121-C-T. GRCh37 (hg19) VCF-style: chr3-69171272-C-T.
Other names: c.266G>A, p.Arg89Gln (NM_001304418.3); short protein forms R89Q.
Identifiers: ClinVar variation 646174 (VCV000646174.7), dbSNP rs771330798, ClinGen allele CA2489040.
Genomic context (GRCh38, chr3:69,122,121, plus strand): 5'-CATTTCTCGGTTGTACACAAATCTCTGGTTACCTCGGATTTCACAAAGGTGACAGGAACT[C>T]GTTCCTCTTCCAGCATGCGCCTGGATGCCTTTTCCCAATACATATAATCAACAAGAGATT-3'
Protein context (NP_938012.2, residues 79-99): KASRRMLEEE[Arg89Gln]VPVTFVKSEE

ClinVar aggregate classification (germline): Uncertain significance (1 of 4 stars; one submission).

Conditions:
Nemaline myopathy 10 (NEM10). Identifiers: MedGen C4015360, MONDO:0014513, OMIM 616165.

Allele frequency attached by ClinVar (database versions not stated): gnomAD exomes below 0.00001; ExAC 0.00001; gnomAD 0.00001; TOPMed 0.00002.
gnomAD v4.1: 6 of 1,612,074 alleles (0.00037%); highest among the groups gnomAD compares: African/African-American, 0.0027%; no homozygotes.

Submission:

Labcorp Genetics (formerly Invitae), Labcorp
Classification: Uncertain significance for Nemaline myopathy 10. Last evaluated: 2022-07-24. Review status: criteria provided, single submitter. Criteria: Invitae Variant Classification Sherloc (09022015). Collection method: clinical testing. Allele origin: germline.
Comment: This variant is present in population databases (rs771330798, gnomAD 0.003%). In summary, the available evidence is currently insufficient to determine the role of this variant in disease. Therefore, it has been classified as a Variant of Uncertain Significance. Algorithms developed to predict the effect of missense changes on protein structure and function are either unavailable or do not agree on the potential impact of this missense change (SIFT: "Deleterious"; PolyPhen-2: "Probably Damaging"; Align-GVGD: "Class C0"). ClinVar contains an entry for this variant (Variation ID: 646174). This variant has not been reported in the literature in individuals affected with LMOD3-related conditions. This sequence change replaces arginine, which is basic and polar, with glutamine, which is neutral and polar, at codon 89 of the LMOD3 protein (p.Arg89Gln).